The following is an entry in ClinVar:

NM_004415.4(DSP):c.170+5G>C

Genes: DSP-AS1 (DSP antisense RNA 1; minus strand), DSP (desmoplakin; plus strand). Cytogenetic location: 6p24.3.
Variant type: single nucleotide variant.
Coding change: c.170+5G>C on transcript NM_004415.4 (MANE Select); 5 bases into the intron after coding-DNA position 170, G replaced by C.
Molecular consequence: intron variant.
Genome position (GRCh38, 1-based): chr6:7,542,090, G>C. VCF-style: chr6-7542090-G-C. GRCh37 (hg19) VCF-style: chr6-7542323-G-C.
Other names: c.170+5G>C (NM_001319034.2, NM_001008844.3).
Identifiers: ClinVar variation 972327 (VCV000972327.10), dbSNP rs727502996, ClinGen allele CA1139659436.
Genomic context (GRCh38, chr6:7,542,090, plus strand): 5'-AGGATGTACTATTCTCGGCGCGGCGTGATCACCGACCAGAACTCGGACGGCTACTGGTGG[G>C]TACCTGCCCGGAGAGCGCGGGCTGCGGGGCTCGCGGGACAGGGAGGGACCGTCCTCCTCT-3'

ClinVar aggregate classification (germline): Uncertain significance. Review status: criteria provided, multiple submitters, no conflicts (2 of 4 stars). 2 submissions from 2 submitters: Uncertain significance (2). Last evaluated 2025-01-16.

Conditions:
Arrhythmogenic right ventricular dysplasia 8 (ARVD8). Also called: Arrhythmogenic Right Ventricular Dysplasia/Cardiomyopathy 8; ARRHYTHMOGENIC RIGHT VENTRICULAR DYSPLASIA, FAMILIAL, 8; ARRHYTHMOGENIC RIGHT VENTRICULAR CARDIOMYOPATHY 8. Identifiers: MedGen C1843896, MONDO:0011831, OMIM 607450.
Arrhythmogenic cardiomyopathy with wooly hair and keratoderma. Also called: Arrhythmogenic cardiomyopathy with woolly hair and keratoderma; Carvajal syndrome; Dilated cardiomyopathy with woolly hair and keratoderma; PALMOPLANTAR KERATODERMA WITH LEFT VENTRICULAR CARDIOMYOPATHY AND WOOLLY HAIR. Identifiers: Orphanet 65282, MedGen C1854063, MONDO:0011581, OMIM 605676.
Cardiovascular phenotype. Identifiers: MedGen CN230736.

Submissions (2):

Ambry Genetics
Classification: Uncertain significance for Cardiovascular phenotype. Last evaluated: 2025-01-16. Review status: criteria provided, single submitter. Criteria: Ambry Variant Classification Scheme 2023. Collection method: clinical testing. Allele origin: germline.
Comment: The c.170+5G>C intronic variant results from a G to C substitution 5 nucleotides after coding exon 1 in the DSP gene. This nucleotide position is highly conserved in available vertebrate species. In silico splice site analysis predicts that this alteration will weaken the native splice donor site. Since supporting evidence is limited at this time, the clinical significance of this alteration remains unclear.

Labcorp Genetics (formerly Invitae), Labcorp
Classification: Uncertain significance for Arrhythmogenic cardiomyopathy with wooly hair and keratoderma; Arrhythmogenic right ventricular dysplasia 8. Last evaluated: 2022-02-23. Review status: criteria provided, single submitter. Criteria: Invitae Variant Classification Sherloc (09022015). Collection method: clinical testing. Allele origin: germline.
Comment: This sequence change falls in intron 1 of the DSP gene. It does not directly change the encoded amino acid sequence of the DSP protein. It affects a nucleotide within the consensus splice site. This variant is not present in population databases (gnomAD no frequency). This variant has not been reported in the literature in individuals affected with DSP-related conditions. ClinVar contains an entry for this variant (Variation ID: 972327). Variants that disrupt the consensus splice site are a relatively common cause of aberrant splicing (PMID: 17576681, 9536098). Algorithms developed to predict the effect of sequence changes on RNA splicing suggest that this variant may disrupt the consensus splice site. In summary, the available evidence is currently insufficient to determine the role of this variant in disease. Therefore, it has been classified as a Variant of Uncertain Significance.

Literature cited by the submitters: PubMed 17576681 (cited by Labcorp Genetics (formerly Invitae), Labcorp); PubMed 9536098 (cited by Labcorp Genetics (formerly Invitae), Labcorp).